The following is an entry in ClinVar:

ClinVar aggregate classification (germline): Uncertain significance (1 of 4 stars; one submission).

Conditions:
Autosomal dominant limb-girdle muscular dystrophy type 1F (LGMDD2). Also called: Limb-girdle muscular dystrophy, type 1F; MUSCULAR DYSTROPHY, LIMB-GIRDLE, AUTOSOMAL DOMINANT 2. Identifiers: Orphanet 55595, MedGen C1842062, MONDO:0012034, OMIM 608423.

Submission:

Labcorp Genetics (formerly Invitae), Labcorp
Classification: Uncertain significance for Autosomal dominant limb-girdle muscular dystrophy type 1F. Last evaluated: 2022-07-06. Review status: criteria provided, single submitter. Criteria: Invitae Variant Classification Sherloc (09022015). Collection method: clinical testing. Allele origin: germline.
Comment: Algorithms developed to predict the effect of sequence changes on RNA splicing suggest that this variant is not likely to affect RNA splicing. Algorithms developed to predict the effect of missense changes on protein structure and function (SIFT, PolyPhen-2, Align-GVGD) all suggest that this variant is likely to be tolerated. ClinVar contains an entry for this variant (Variation ID: 464841). This variant has not been reported in the literature in individuals affected with TNPO3-related conditions. This variant is not present in population databases (gnomAD no frequency). This sequence change replaces isoleucine, which is neutral and non-polar, with threonine, which is neutral and polar, at codon 414 of the TNPO3 protein (p.Ile414Thr). In summary, the available evidence is currently insufficient to determine the role of this variant in disease. Therefore, it has been classified as a Variant of Uncertain Significance.

NM_012470.4(TNPO3):c.1241T>C (p.Ile414Thr)

Gene: TNPO3 (transportin 3; minus strand). Cytogenetic location: 7q32.1.
Variant type: single nucleotide variant.
Coding change: c.1241T>C on transcript NM_012470.4 (MANE Select); coding-DNA position 1241, T replaced by C.
Protein change: p.Ile414Thr; replaces isoleucine 414 with threonine.
Molecular consequence: missense variant. On other transcripts: non-coding transcript variant (18), intron variant (1).
Genome position (GRCh38, 1-based): chr7:128,993,832, A>G on the plus strand (T>C on the coding strand, the complement: TNPO3 is on the minus strand). VCF-style: chr7-128993832-A-G. GRCh37 (hg19) VCF-style: chr7-128633886-A-G.
Other names: c.1241T>C, p.Ile414Thr (NM_001191028.3, NM_001382216.1, NM_001382218.1 and 2 more transcripts); c.1322T>C, p.Ile441Thr (NM_001382217.1); c.1097T>C, p.Ile366Thr (NM_001382221.1); c.1094T>C, p.Ile365Thr (NM_001382222.1); c.1159-1742T>C (NM_001382219.1); short protein forms I414T, I365T, I366T, I441T.
Identifiers: ClinVar variation 464841 (VCV000464841.9), dbSNP rs1554438690, ClinGen allele CA369232318.